The following is an entry in ClinVar:

NM_000059.4(BRCA2):c.7966C>G (p.Leu2656Val)

Gene: BRCA2 (BRCA2 DNA repair associated; plus strand). Cytogenetic location: 13q13.1.
Variant type: single nucleotide variant.
Coding change: c.7966C>G on transcript NM_000059.4 (MANE Select); coding-DNA position 7966, C replaced by G.
Protein change: p.Leu2656Val; replaces leucine 2656 with valine.
Molecular consequence: missense variant.
Genome position (GRCh38, 1-based): chr13:32,362,683, C>G. VCF-style: chr13-32362683-C-G. GRCh37 (hg19) VCF-style: chr13-32936820-C-G.
Other names: short protein forms L2656V.
Identifiers: ClinVar variation 1050655 (VCV001050655.4), dbSNP rs2072748978, ClinGen allele CA387747316.

ClinVar aggregate classification (germline): Uncertain significance. Review status: criteria provided, single submitter (1 of 4 stars). 2 submissions from 2 submitters: Uncertain significance (1). 1 of the submissions does not count toward it. Last evaluated 2020-05-29.

Conditions:
Hereditary cancer-predisposing syndrome. Also called: Tumor predisposition; Hereditary neoplastic syndrome; Hereditary Cancer Syndrome; Neoplastic Syndromes, Hereditary. Identifiers: Orphanet 140162, MedGen C0027672, MeSH D009386, MONDO:0015356.
Malignant tumor of breast. Also called: Malignant breast neoplasm; Cancer breast. Identifiers: MedGen C0006142, MONDO:0007254. Disease mechanism: loss of function.

Submissions (2):

Ambry Genetics
Classification: Uncertain significance for Hereditary cancer-predisposing syndrome. Last evaluated: 2020-05-29. Review status: criteria provided, single submitter. Criteria: Ambry Variant Classification Scheme 2023. Collection method: clinical testing. Allele origin: germline.
Comment: The p.L2656V variant (also known as c.7966C>G), located in coding exon 16 of the BRCA2 gene, results from a C to G substitution at nucleotide position 7966. The leucine at codon 2656 is replaced by valine, an amino acid with highly similar properties. This amino acid position is highly conserved in available vertebrate species. In addition, this alteration is predicted to be deleterious by in silico analysis. Since supporting evidence is limited at this time, the clinical significance of this alteration remains unclear.

Department of Pathology and Laboratory Medicine, Sinai Health System
Classification: Uncertain significance for Malignant tumor of breast. Review status: no assertion criteria provided. Collection method: clinical testing. Allele origin: unknown. Affected: yes. Study: The Canadian Open Genetics Repository (COGR). Not counted in ClinVar's aggregate classification.
Comment: The BRCA2 p.Leu2656Val variant was not identified in the literature nor was it identified in the following databases: dbSNP, ClinVar, COGR, Cosmic, MutDB, LOVD 3.0, UMD-LSDB, BIC Database, ARUP Laboratories, Zhejiang University, the Exome Aggregation Consortium (August 8th 2016), or the Genome Aggregation Database (Feb 27, 2017). The p.Leu2656 residue is conserved across mammals and other organisms, and 4 of 5 computational analyses (PolyPhen-2, SIFT, AlignGVGD, BLOSUM, MutationTaster) suggest that the variant may impact the protein; however, this information is not predictive enough to assume pathogenicity. The variant occurs outside of the splicing consensus sequence and 2 of 4 in silico or computational prediction software programs (SpliceSiteFinder, MaxEntScan, NNSPLICE, GeneSplicer) predict a greater than 10% difference in splicing; this is not very predictive of pathogenicity. In summary, based on the above information, the clinical significance of this variant cannot be determined with certainty at this time. This variant is classified as a variant of uncertain significance.